The following is an entry in ClinVar:

NM_016507.4(CDK12):c.2896C>A (p.Leu966Met)

Gene: CDK12 (cyclin dependent kinase 12; plus strand). Cytogenetic location: 17q12.
Variant type: single nucleotide variant.
Coding change: c.2896C>A on transcript NM_016507.4 (MANE Select); coding-DNA position 2896, C replaced by A.
Protein change: p.Leu966Met; replaces leucine 966 with methionine.
Molecular consequence: missense variant.
Genome position (GRCh38, 1-based): chr17:39,517,489, C>A. VCF-style: chr17-39517489-C-A. GRCh37 (hg19) VCF-style: chr17-37673742-C-A.
Other names: c.2896C>A, p.Leu966Met (NM_015083.4); short protein forms L966M.
Identifiers: ClinVar variation 4651368 (VCV004651368.1).

ClinVar aggregate classification (germline): Uncertain significance (1 of 4 stars; one submission).

Submission:

Ambry Genetics
Classification: Uncertain significance. Last evaluated: 2025-10-10. Review status: criteria provided, single submitter. Criteria: Ambry Variant Classification Scheme 2023. Collection method: clinical testing. Allele origin: germline.
Comment: The p.L966M variant (also known as c.2896C>A), located in coding exon 10 of the CDK12 gene, results from a C to A substitution at nucleotide position 2896. The leucine at codon 966 is replaced by methionine, an amino acid with highly similar properties. This amino acid position is conserved. In addition, this alteration is predicted to be tolerated by in silico analysis. Based on the available evidence, the clinical significance of this variant remains unclear.